The following is an entry in ClinVar:

NM_004172.5(SLC1A3):c.945C>T (p.Ala315=)

Genes: SLC1A3 (solute carrier family 1 member 3; plus strand), SLC1A3-AS1 (SLC1A3 antisense RNA 1; minus strand). Cytogenetic location: 5p13.2.
Variant type: single nucleotide variant.
Coding change: c.945C>T on transcript NM_004172.5 (MANE Select); coding-DNA position 945, C replaced by T.
Protein change: p.Ala315=; no amino-acid change (alanine 315 retained).
Molecular consequence: synonymous variant.
Genome position (GRCh38, 1-based): chr5:36,679,711, C>T. VCF-style: chr5-36679711-C-T. GRCh37 (hg19) VCF-style: chr5-36679813-C-T.
Other names: c.945C>T, p.Ala315= (NM_001166695.3); c.807C>T, p.Ala269= (NM_001289939.2); c.609C>T, p.Ala203= (NM_001289940.2).
Identifiers: ClinVar variation 353319 (VCV000353319.14), dbSNP rs117295512, ClinGen allele CA3235580.

ClinVar aggregate classification (germline): Benign. Review status: criteria provided, multiple submitters, no conflicts (2 of 4 stars). 3 submissions from 3 submitters: Benign (2). 1 of the submissions does not count toward it. Last evaluated 2025-11-04.

Conditions:
Episodic ataxia type 6. Identifiers: Orphanet 209967, MedGen C2675211, MONDO:0012982, OMIM 612656.
SLC1A3-related disorder. Also called: SLC1A3-related condition.

Allele frequency attached by ClinVar (database versions not stated): gnomAD exomes 0.00023 and 0.00085; gnomAD 0.00030 and 0.00040; TOPMed 0.00051; 1000 Genomes Project 30x 0.00062; 1000 Genomes Project 0.00080; ExAC 0.00098.
gnomAD v4.1: 390 of 1,614,100 alleles (0.024%); highest among the groups gnomAD compares: East Asian, 0.81%; 2 homozygotes.

Submissions (3):

Labcorp Genetics (formerly Invitae), Labcorp
Classification: Benign. Last evaluated: 2025-11-04. Review status: criteria provided, single submitter. Criteria: Invitae Variant Classification Sherloc (09022015). Collection method: clinical testing. Allele origin: germline.

Illumina Laboratory Services, Illumina
Classification: Benign for Episodic ataxia type 6. Last evaluated: 2018-01-12. Review status: criteria provided, single submitter. Criteria: ICSL Variant Classification Criteria 13 December 2019. Collection method: clinical testing. Allele origin: germline.
Comment: This variant was observed in the ICSL laboratory as part of a predisposition screen in an ostensibly healthy population. It had not been previously curated by ICSL or reported in the Human Gene Mutation Database (HGMD: prior to June 1st, 2018), and was therefore a candidate for classification through an automated scoring system. Utilizing variant allele frequency, disease prevalence and penetrance estimates, and inheritance mode, an automated score was calculated to assess if this variant is too frequent to cause the disease. Based on the score and internal cut-off values, a variant classified as benign is not then subjected to further curation. The score for this variant resulted in a classification of benign for this disease.

PreventionGenetics, part of Exact Sciences
Classification: Benign for SLC1A3-related condition. Last evaluated: 2024-08-07. Review status: no assertion criteria provided. Collection method: clinical testing. Allele origin: germline. Not counted in ClinVar's aggregate classification.
Comment: This variant is classified as benign based on ACMG/AMP sequence variant interpretation guidelines (Richards et al. 2015 PMID: 25741868, with internal and published modifications).